The following is an entry in ClinVar:

NM_004006.3(DMD):c.3458A>T (p.Lys1153Met)

Gene: DMD (dystrophin; minus strand). Cytogenetic location: Xp21.1.
Variant type: single nucleotide variant.
Coding change: c.3458A>T on transcript NM_004006.3 (MANE Select); coding-DNA position 3458, A replaced by T.
Protein change: p.Lys1153Met; replaces lysine 1153 with methionine.
Molecular consequence: missense variant.
Genome position (GRCh38, 1-based): chrX:32,454,807, T>A on the plus strand (A>T on the coding strand, the complement: DMD is on the minus strand). VCF-style: chrX-32454807-T-A. GRCh37 (hg19) VCF-style: chrX-32472924-T-A.
Other names: c.3434A>T, p.Lys1145Met (NM_000109.4); c.3446A>T, p.Lys1149Met (NM_004009.3); c.3089A>T, p.Lys1030Met (NM_004010.3); short protein forms K1030M, K1145M, K1149M, K1153M.
Identifiers: ClinVar variation 3223650 (VCV003223650.1), dbSNP rs2524369924, ClinGen allele CA412663352.

ClinVar aggregate classification (germline): Uncertain significance (1 of 4 stars; one submission).

Conditions:
Cardiovascular phenotype. Identifiers: MedGen CN230736.

gnomAD v4.1: 1 of 1,207,884 alleles (0.000083%); highest among the groups gnomAD compares: Non-Finnish European, 0.00011%; no homozygotes.

Submission:

Ambry Genetics
Classification: Uncertain significance for Cardiovascular phenotype. Last evaluated: 2023-09-24. Review status: criteria provided, single submitter. Criteria: Ambry Variant Classification Scheme 2023. Collection method: clinical testing. Allele origin: germline.
Comment: The p.K1153M variant (also known as c.3458A>T), located in coding exon 26 of the DMD gene, results from an A to T substitution at nucleotide position 3458. The lysine at codon 1153 is replaced by methionine, an amino acid with similar properties. This amino acid position is highly conserved in available vertebrate species. In addition, this alteration is predicted to be tolerated by in silico analysis. Since supporting evidence is limited at this time, the clinical significance of this alteration remains unclear.